The following is an entry in ClinVar:

ClinVar aggregate classification (germline): Uncertain significance (1 of 4 stars; one submission).

Conditions:
Microcephaly-intellectual disability-sensorineural hearing loss-epilepsy-abnormal muscle tone syndrome (NEDHSB). Also called: NEURODEVELOPMENTAL DISORDER WITH HEARING LOSS, SEIZURES, AND BRAIN ABNORMALITIES. Identifiers: Orphanet 457351, MedGen C4225276, MONDO:0014698, OMIM 616577.

Allele frequency attached by ClinVar (database versions not stated): gnomAD 0.00001.
gnomAD v4.1: 2 of 1,609,742 alleles (0.00012%); highest among the groups gnomAD compares: African/African-American, 0.0013%; no homozygotes.

Submission:

Labcorp Genetics (formerly Invitae), Labcorp
Classification: Uncertain significance for Microcephaly-intellectual disability-sensorineural hearing loss-epilepsy-abnormal muscle tone syndrome. Last evaluated: 2022-05-12. Review status: criteria provided, single submitter. Criteria: Invitae Variant Classification Sherloc (09022015). Collection method: clinical testing. Allele origin: germline.
Comment: This sequence change replaces alanine, which is neutral and non-polar, with serine, which is neutral and polar, at codon 465 of the SPATA5 protein (p.Ala465Ser). This variant is present in population databases (no rsID available, gnomAD 0.002%). This variant has not been reported in the literature in individuals affected with SPATA5-related conditions. Advanced modeling of protein sequence and biophysical properties (such as structural, functional, and spatial information, amino acid conservation, physicochemical variation, residue mobility, and thermodynamic stability) performed at Invitae indicates that this missense variant is not expected to disrupt SPATA5 protein function. In summary, the available evidence is currently insufficient to determine the role of this variant in disease. Therefore, it has been classified as a Variant of Uncertain Significance.

NM_145207.3(AFG2A):c.1393G>T (p.Ala465Ser)

Gene: AFG2A (AFG2 AAA ATPase homolog A; plus strand). Cytogenetic location: 4q28.1.
Variant type: single nucleotide variant.
Coding change: c.1393G>T on transcript NM_145207.3 (MANE Select); coding-DNA position 1393, G replaced by T.
Protein change: p.Ala465Ser; replaces alanine 465 with serine.
Molecular consequence: missense variant.
Genome position (GRCh38, 1-based): chr4:122,938,184, G>T. VCF-style: chr4-122938184-G-T. GRCh37 (hg19) VCF-style: chr4-123859339-G-T.
Other names: c.1390G>T, p.Ala464Ser (NM_001317799.2, NM_001345856.2); short protein forms A464S, A465S.
Identifiers: ClinVar variation 2104244 (VCV002104244.1), dbSNP rs1560797389, ClinGen allele CA358106184.